The following is an entry in ClinVar:

ClinVar aggregate classification (germline): Likely benign. Review status: criteria provided, multiple submitters, no conflicts (2 of 4 stars). 3 submissions from 3 submitters: Likely benign (2). 1 of the submissions does not count toward it. Last evaluated 2024-03-02.

Conditions:
SCN1A-related disorder. Also called: SCN1A-related disorders; SCN1A-related conditions; SCN1A-related condition.
Early-infantile DEE. Also called: Early infantile epileptic encephalopathy with suppression bursts; Early infantile epileptic encephalopathy; Ohtahara syndrome. Identifiers: Orphanet 1934, MedGen C0393706, MONDO:0800491.

Allele frequency attached by ClinVar (database versions not stated): gnomAD exomes 0.00001; ExAC 0.00002.
gnomAD v4.1: 9 of 1,614,100 alleles (0.00056%); highest among the groups gnomAD compares: South Asian, 0.0099%; no homozygotes.

Submissions (3):

Labcorp Genetics (formerly Invitae), Labcorp
Classification: Likely benign for Early-infantile DEE. Last evaluated: 2024-03-02. Review status: criteria provided, single submitter. Criteria: Invitae Variant Classification Sherloc (09022015). Collection method: clinical testing. Allele origin: germline.

GeneDx
Classification: Likely benign. Last evaluated: 2019-05-31. Review status: criteria provided, single submitter. Criteria: GeneDx Variant Classification Process June 2021. Collection method: clinical testing. Allele origin: germline. Affected: yes.

PreventionGenetics, part of Exact Sciences
Classification: Likely benign for SCN1A-related condition. Last evaluated: 2021-06-23. Review status: no assertion criteria provided. Collection method: clinical testing. Allele origin: germline. Not counted in ClinVar's aggregate classification.
Comment: This variant is classified as likely benign based on ACMG/AMP sequence variant interpretation guidelines (Richards et al. 2015 PMID: 25741868, with internal and published modifications).

NM_001165963.4(SCN1A):c.2898C>T (p.Ala966=)

Gene: SCN1A (sodium voltage-gated channel alpha subunit 1; minus strand). Cytogenetic location: 2q24.3.
Variant type: single nucleotide variant.
Coding change: c.2898C>T on transcript NM_001165963.4 (MANE Select); coding-DNA position 2898, C replaced by T.
Protein change: p.Ala966=; no amino-acid change (alanine 966 retained).
Molecular consequence: synonymous variant. On other transcripts: non-coding transcript variant (1).
Genome position (GRCh38, 1-based): chr2:166,037,824, G>A on the plus strand (C>T on the coding strand, the complement: SCN1A is on the minus strand). VCF-style: chr2-166037824-G-A. GRCh37 (hg19) VCF-style: chr2-166894334-G-A.
Other names: c.2814C>T, p.Ala938= (NM_001165964.3, NM_001353957.2, NM_001353958.2); c.2898C>T, p.Ala966= (NM_001202435.3, NM_001353948.2); c.2865C>T, p.Ala955= (NM_001353949.2, NM_001353950.2, NM_001353951.2 and 2 more transcripts); c.2862C>T, p.Ala954= (NM_001353954.2, NM_001353955.2); c.2811C>T, p.Ala937= (NM_001353960.2); c.456C>T, p.Ala152= (NM_001353961.2); c.2898C>T (NM_001202435.1).
Identifiers: ClinVar variation 1218953 (VCV001218953.7), dbSNP rs774054004, ClinGen allele CA1943042.